The following is an entry in ClinVar:

NM_001972.4(ELANE):c.182C>T (p.Ala61Val)

Gene: ELANE (elastase, neutrophil expressed; plus strand). Cytogenetic location: 19p13.3.
Variant type: single nucleotide variant.
Coding change: c.182C>T on transcript NM_001972.4 (MANE Select); coding-DNA position 182, C replaced by T.
Protein change: p.Ala61Val; replaces alanine 61 with valine.
Molecular consequence: missense variant.
Genome position (GRCh38, 1-based): chr19:852,990, C>T. VCF-style: chr19-852990-C-T. GRCh37 (hg19) VCF-style: chr19-852990-C-T.
Other names: A32V; c.182C>T, p.Ala61Val (LRG_57t1); short protein forms A61V.
Identifiers: ClinVar variation 16740 (VCV000016740.14), dbSNP rs137854447, ClinGen allele CA281048.

ClinVar aggregate classification (germline): Pathogenic/Likely pathogenic. Review status: criteria provided, multiple submitters, no conflicts (2 of 4 stars). 6 submissions from 6 submitters: Pathogenic (4); Likely pathogenic (1). 1 of the submissions does not count toward it. Last evaluated 2026-09-02.

Conditions:
ELANE-related disorders.
Non-Fanconi anemia cytopenia.
Fanconi anaemia or Bloom syndrome.
Autoinflammatory syndrome. Identifiers: Orphanet 93665, MedGen C3890737, MONDO:0019751.
Neutropenia, severe congenital, 1, autosomal dominant. Identifiers: MedGen C1859966, MONDO:0042490, OMIM 202700.
Cyclical neutropenia. Also called: Cyclic hematopoiesis; Cyclic Neutropenia. Identifiers: Orphanet 2686, MedGen C0221023, MONDO:0008090, OMIM 162800, HP:0040289. Disease mechanism: loss of function.

gnomAD v4.1: 1 of 1,579,780 alleles (0.000063%); highest among the groups gnomAD compares: Non-Finnish European, 0.000085%; no homozygotes.

Submissions (6):

North West Genomic Laboratory Hub, Manchester University NHS Foundation Trust
Classification: Pathogenic for Fanconi anaemia or Bloom syndrome; Non-Fanconi anemia cytopenia. Last evaluated: 2026-09-02. Review status: criteria provided, single submitter. Criteria: ACGS Best Practice Guidelines for Variant Classification in Rare Disease 2024. Collection method: clinical testing. Allele origin: germline. Affected: yes.
Comment: PS4_Mod PM2_Mod PP1_Str PM6_Mod

Labcorp Genetics (formerly Invitae), Labcorp
Classification: Pathogenic for Neutropenia, severe congenital, 1, autosomal dominant; Cyclical neutropenia. Last evaluated: 2025-07-14. Review status: criteria provided, single submitter. Criteria: Invitae Variant Classification Sherloc (09022015). Collection method: clinical testing. Allele origin: germline.
Comment: This sequence change replaces alanine, which is neutral and non-polar, with valine, which is neutral and non-polar, at codon 61 of the ELANE protein (p.Ala61Val). This variant is not present in population databases (gnomAD no frequency). This missense change has been observed in individual(s) with congenital neutropenia and/or cyclic neutropenia (PMID: 10581030, 11675333, 19036076, 23463630, 25703294). In at least one individual the variant was observed to be de novo. This variant is also known as p.Ala32Val. ClinVar contains an entry for this variant (Variation ID: 16740). Invitae Evidence Modeling of protein sequence and biophysical properties (such as structural, functional, and spatial information, amino acid conservation, physicochemical variation, residue mobility, and thermodynamic stability) indicates that this missense variant is expected to disrupt ELANE protein function with a positive predictive value of 95%. For these reasons, this variant has been classified as Pathogenic.

Institute of Medical Genetics and Genomics, Sir Ganga Ram Hospital
Classification: Likely pathogenic for Neutropenia, severe congenital, 1, autosomal dominant. Last evaluated: 2023-10-23. Review status: criteria provided, single submitter. Criteria: ACMG Guidelines, 2015. Collection method: clinical testing. Allele origin: unknown. Inheritance: Autosomal recessive inheritance. Affected: yes.
Comment: This nucleotide change is absent in gnomAD database [PM2]. Insilico prediction [REVEL: 0.5] predicts uncertain nature of this variant. A clinvar entry for this variant is available. This variant is submitted to clinvar database [Variation ID: 16740] with “Pathogenic” interpretation by multiple submitter [PP5]. 9 pathogenic or likely pathogenic reported variants are found surrounding this region in exon 2 without any mis-sense benign change, considering this as a hotspot region [PM1]. PMID [23463630] Based on the clinical correlation and available evidence, this variant is classified as "Likely Pathogenic"

Blueprint Genetics
Classification: Pathogenic for ELANE-related disorders. Last evaluated: 2021-08-03. Review status: criteria provided, single submitter. Criteria: ACMG Guidelines, 2015. Collection method: clinical testing. Allele origin: germline. Affected: yes. Observed: 2 variant alleles.

Genome Diagnostics Laboratory, The Hospital for Sick Children
Classification: Pathogenic for Autoinflammatory syndrome. Last evaluated: 2018-12-01. Review status: criteria provided, single submitter. Criteria: ACMG Guidelines, 2015. Collection method: clinical testing. Allele origin: germline. Affected: yes.

OMIM
Classification: Pathogenic for CYCLIC NEUTROPENIA. Last evaluated: 1999-12-01. Review status: no assertion criteria provided. Collection method: literature only. Allele origin: germline. Not counted in ClinVar's aggregate classification.

Literature cited by the submitters: PubMed 10581030 (cited by Labcorp Genetics (formerly Invitae), Labcorp and OMIM); PubMed 11675333 (cited by Labcorp Genetics (formerly Invitae), Labcorp); PubMed 19036076 (cited by Labcorp Genetics (formerly Invitae), Labcorp); PubMed 23463630 (cited by Labcorp Genetics (formerly Invitae), Labcorp and Institute of Medical Genetics and Genomics, Sir Ganga Ram Hospital); PubMed 25703294 (cited by Labcorp Genetics (formerly Invitae), Labcorp).